The following is an entry in ClinVar:

ClinVar aggregate classification (germline): Uncertain significance. Review status: criteria provided, multiple submitters, no conflicts (2 of 4 stars). 2 submissions from 2 submitters: Uncertain significance (2). Last evaluated 2025-09-05.

Conditions:
Inborn genetic diseases. Identifiers: MedGen C0950123, MeSH D030342.

Allele frequency attached by ClinVar (database versions not stated): gnomAD exomes below 0.00001; ExAC 0.00001; TOPMed 0.00003; gnomAD 0.00005; ESP Exome Variant Server 0.00008.
gnomAD v4.1: 14 of 1,612,940 alleles (0.00087%); highest among the groups gnomAD compares: African/African-American, 0.011%; no homozygotes.

Submissions (2):

Ambry Genetics
Classification: Uncertain significance for Inborn genetic diseases. Last evaluated: 2025-09-05. Review status: criteria provided, single submitter. Criteria: Ambry Variant Classification Scheme 2023. Collection method: clinical testing. Allele origin: germline.

Labcorp Genetics (formerly Invitae), Labcorp
Classification: Uncertain significance. Last evaluated: 2022-04-24. Review status: criteria provided, single submitter. Criteria: Invitae Variant Classification Sherloc (09022015). Collection method: clinical testing. Allele origin: germline.
Comment: This sequence change replaces alanine, which is neutral and non-polar, with valine, which is neutral and non-polar, at codon 4182 of the HERC1 protein (p.Ala4182Val). This variant is present in population databases (rs377473680, gnomAD 0.02%). This variant has not been reported in the literature in individuals affected with HERC1-related conditions. Algorithms developed to predict the effect of missense changes on protein structure and function are either unavailable or do not agree on the potential impact of this missense change (SIFT: "Tolerated"; PolyPhen-2: "Probably Damaging"; Align-GVGD: "Class C0"). In summary, the available evidence is currently insufficient to determine the role of this variant in disease. Therefore, it has been classified as a Variant of Uncertain Significance.

NM_003922.4(HERC1):c.12545C>T (p.Ala4182Val)

Gene: HERC1 (HECT and RLD domain containing E3 ubiquitin protein ligase family member 1; minus strand). Cytogenetic location: 15q22.31.
Variant type: single nucleotide variant.
Coding change: c.12545C>T on transcript NM_003922.4 (MANE Select); coding-DNA position 12545, C replaced by T.
Protein change: p.Ala4182Val; replaces alanine 4182 with valine.
Molecular consequence: missense variant.
Genome position (GRCh38, 1-based): chr15:63,634,758, G>A on the plus strand (C>T on the coding strand, the complement: HERC1 is on the minus strand). VCF-style: chr15-63634758-G-A. GRCh37 (hg19) VCF-style: chr15-63926957-G-A.
Other names: c.12545C>T (NM_003922.3); short protein forms A4182V.
Identifiers: ClinVar variation 1923202 (VCV001923202.3), dbSNP rs377473680, ClinGen allele CA7603975.